The following is an entry in ClinVar:

ClinVar aggregate classification (germline): Pathogenic. Review status: reviewed by expert panel (3 of 4 stars). 13 submissions from 13 submitters: Pathogenic (1). 12 of the submissions do not count toward it. Last evaluated 2016-09-08.

Conditions:
Hereditary breast ovarian cancer syndrome. Also called: Hereditary breast and ovarian cancer syndrome; Hereditary breast and ovarian cancer; Hereditary breast and ovarian cancer syndrome (HBOC); Breast and ovarian cancer; Hereditary breast and/or ovarian cancer syndrome; BRCA1- and BRCA2-Associated Hereditary Breast and Ovarian Cancer. Identifiers: Orphanet 145, MedGen C0677776, MeSH D061325, MONDO:0003582. Disease mechanism: loss of function.
Breast-ovarian cancer, familial, susceptibility to, 2 (BROVCA2). Also called: BRCA2 Hereditary Breast and Ovarian Cancer. Identifiers: Orphanet 145, MedGen C2675520, MONDO:0012933, OMIM 612555. Disease mechanism: loss of function.
Familial cancer of breast. Also called: BREAST CANCER, FAMILIAL; Hereditary breast cancer; hereditary breast carcinoma. Identifiers: Orphanet 227535, MedGen C0346153, MONDO:0016419, OMIM 114480. Disease mechanism: loss of function.
Hereditary cancer-predisposing syndrome. Also called: Neoplastic Syndromes, Hereditary; Tumor predisposition; Hereditary Cancer Syndrome; Hereditary neoplastic syndrome. Identifiers: Orphanet 140162, MedGen C0027672, MeSH D009386, MONDO:0015356.

Allele frequency attached by ClinVar (database versions not stated): TOPMed below 0.00001.

Submissions (13):

Evidence-based Network for the Interpretation of Germline Mutant Alleles (ENIGMA)
Classification: Pathogenic for Breast-ovarian cancer, familial, susceptibility to, 2. Last evaluated: 2016-09-08. Review status: reviewed by expert panel. Criteria: ENIGMA BRCA1/2 Classification Criteria (2015). Collection method: curation. Allele origin: germline.
Comment: Variant allele predicted to encode a truncated non-functional protein.

Quest Diagnostics Nichols Institute San Juan Capistrano
Classification: Pathogenic. Last evaluated: 2025-10-10. Review status: criteria provided, single submitter. Criteria: Quest Diagnostics criteria. Collection method: clinical testing. Allele origin: unknown. Not counted in ClinVar's aggregate classification.
Comment: The BRCA2 c.289G>T (p.Glu97*) variant causes the premature termination of BRCA2 protein synthesis. This variant has been reported in the published literature in individuals and families affected with breast and/or ovarian cancer (PMIDs: 34570441 (2021), 33471991 (2021), see also LOVD, 32894085 (2020), 32438681 (2020), 30613976 (2019), 30287823 (2018), 25863477 (2015), 24312913 (2013), 16683254 (2006)). This variant has not been reported in large, multi-ethnic general populations (Genome Aggregation Database). Based on the available information, this variant is classified as pathogenic .

Labcorp Genetics (formerly Invitae), Labcorp
Classification: Pathogenic for Hereditary breast ovarian cancer syndrome. Last evaluated: 2025-09-27. Review status: criteria provided, single submitter. Criteria: Invitae Variant Classification Sherloc (09022015). Collection method: clinical testing. Allele origin: germline. Not counted in ClinVar's aggregate classification.
Comment: This sequence change creates a premature translational stop signal (p.Glu97*) in the BRCA2 gene. It is expected to result in an absent or disrupted protein product. Loss-of-function variants in BRCA2 are known to be pathogenic (PMID: 20104584). This variant is not present in population databases (gnomAD no frequency). This premature translational stop signal has been observed in individual(s) with a personal and/or family history of breast cancer and/or ovarian cancer (PMID: 16683254, 26187060). ClinVar contains an entry for this variant (Variation ID: 51368). RNA analysis performed to evaluate the impact of this premature translational stop signal on mRNA splicing indicates it does not significantly alter splicing (internal data). For these reasons, this variant has been classified as Pathogenic.

Ambry Genetics
Classification: Pathogenic for Hereditary cancer-predisposing syndrome. Last evaluated: 2025-04-07. Review status: criteria provided, single submitter. Criteria: Ambry Variant Classification Scheme 2023. Collection method: clinical testing. Allele origin: germline. Not counted in ClinVar's aggregate classification.
Comment: The c.289G>T (p.E97*) alteration, located in exon 3 (coding exon 2) of the BRCA2 gene, consists of a G to T substitution at nucleotide position 289. This changes the amino acid from a glutamic acid (E) to a stop codon at amino acid position 97. This alteration is expected to result in loss of function by premature protein truncation or nonsense-mediated mRNA decay. This variant was not reported in population-based cohorts in the Genome Aggregation Database (gnomAD). This variant has been reported in multiple individuals diagnosed with breast and/or ovarian cancer (van der Hout, 2006; Karami, 2013; Kang, 2015; Rebbeck, 2018; Momozawa, 2018). Based on the available evidence, this alteration is classified as pathogenic.

Mayo Clinic Laboratories, Mayo Clinic
Classification: Pathogenic. Last evaluated: 2022-10-20. Review status: criteria provided, single submitter. Criteria: ACMG Guidelines, 2015. Collection method: clinical testing. Allele origin: germline. Observed: 2 variant alleles. Not counted in ClinVar's aggregate classification.
Comment: PP5, PM2, PS4_moderate, PVS1

Baylor Genetics
Classification: Pathogenic for Familial cancer of breast. Last evaluated: 2022-07-29. Review status: criteria provided, single submitter. Criteria: ACMG Guidelines, 2015. Collection method: clinical testing. Allele origin: unknown. Not counted in ClinVar's aggregate classification.

MGZ Medical Genetics Center
Classification: Pathogenic for Breast-ovarian cancer, familial, susceptibility to, 2. Last evaluated: 2022-04-21. Review status: criteria provided, single submitter. Criteria: ACMG Guidelines, 2015. Collection method: clinical testing. Allele origin: germline. Affected: yes. Observed: 1 variant allele. Not counted in ClinVar's aggregate classification.
Comment: ACMG criteria applied: PVS1, PP1, PP3

Color Diagnostics, LLC DBA Color Health
Classification: Pathogenic for Hereditary cancer-predisposing syndrome. Last evaluated: 2020-01-15. Review status: criteria provided, single submitter. Criteria: ACMG Guidelines, 2015. Collection method: clinical testing. Allele origin: germline. Not counted in ClinVar's aggregate classification.
Comment: This variant changes 1 nucleotide in exon 3 of the BRCA2 gene, creating a premature translation stop signal. This variant is expected to result in an absent or non-functional protein product. This variant has not been identified in the general population by the Genome Aggregation Database (gnomAD). Loss of BRCA2 function is a known mechanism of disease. Based on the available evidence, this variant is classified as Pathogenic.

Women's Health and Genetics/Laboratory Corporation of America, LabCorp
Classification: Pathogenic for Hereditary breast and ovarian cancer syndrome. Last evaluated: 2019-11-21. Review status: criteria provided, single submitter. Criteria: LabCorp Variant Classification Summary - May 2015. Collection method: clinical testing. Allele origin: germline. Not counted in ClinVar's aggregate classification.
Comment: Variant summary: BRCA2 c.289G>T (p.Glu97X) results in a premature termination codon, predicted to cause a truncation of the encoded protein or absence of the protein due to nonsense mediated decay, which are commonly known mechanisms for disease. Truncations downstream of this position have been classified as pathogenic by our laboratory. The variant was absent in 250974 control chromosomes (gnomAD). c.289G>T has been reported in the literature in multiple individuals affected with Hereditary Breast and Ovarian Cancer (Rebbeck_2018). These data indicate that the variant is very likely to be associated with disease. Six ClinVar submissions (evaluation after 2014) cite the variant as pathogenic. Based on the evidence outlined above, the variant was classified as pathogenic.

Mendelics
Classification: Pathogenic for Hereditary breast and ovarian cancer syndrome. Last evaluated: 2018-07-02. Review status: criteria provided, single submitter. Criteria: Mendelics Assertion Criteria 2017. Collection method: clinical testing. Allele origin: unknown. Not counted in ClinVar's aggregate classification.

GeneDx
Classification: Pathogenic. Last evaluated: 2017-02-24. Review status: criteria provided, single submitter. Criteria: GeneDx Variant Classification (06012015). Collection method: clinical testing. Allele origin: germline. Affected: yes. Not counted in ClinVar's aggregate classification.
Comment: This pathogenic variant is denoted BRCA2 c.289G>T at the cDNA level and p.Glu97Ter (E97X) at the protein level. The substitution creates a nonsense variant, which changes a Glutamic Acid to a premature stop codon (GAA>TAA), and is predicted to cause loss of normal protein function through either protein truncation or nonsense-mediated mRNA decay. This variant, also published as BRCA2 517G>T using alternate nomenclature, has been reported in families with breast and ovarian cancer (van der Hout 2006, Papi 2009, Kang 2015) and is considered pathogenic.

Consortium of Investigators of Modifiers of BRCA1/2 (CIMBA), c/o University of Cambridge
Classification: Pathogenic for Breast-ovarian cancer, familial, susceptibility to, 2. Last evaluated: 2015-10-02. Review status: criteria provided, single submitter. Criteria: CIMBA Mutation Classification guidelines May 2016. Collection method: clinical testing. Allele origin: germline. Not counted in ClinVar's aggregate classification.

Sharing Clinical Reports Project (SCRP)
Classification: Pathogenic for Breast-ovarian cancer, familial 2. Last evaluated: 2012-05-01. Review status: no assertion criteria provided. Collection method: clinical testing. Allele origin: germline. Not counted in ClinVar's aggregate classification.

Literature cited by the submitters: PubMed 25863477 (cited by 3 submitters); PubMed 24312913 (cited by Quest Diagnostics Nichols Institute San Juan Capistrano and Ambry Genetics); PubMed 16683254 (cited by 4 submitters); PubMed 32438681 (cited by Quest Diagnostics Nichols Institute San Juan Capistrano and Mayo Clinic Laboratories, Mayo Clinic); PubMed 35264596 (cited by Quest Diagnostics Nichols Institute San Juan Capistrano and Mayo Clinic Laboratories, Mayo Clinic); PubMed 30613976 (cited by Quest Diagnostics Nichols Institute San Juan Capistrano and Mayo Clinic Laboratories, Mayo Clinic); PubMed 34570441 (cited by Quest Diagnostics Nichols Institute San Juan Capistrano and Mayo Clinic Laboratories, Mayo Clinic); PubMed 32894085 (cited by Quest Diagnostics Nichols Institute San Juan Capistrano and Mayo Clinic Laboratories, Mayo Clinic); PubMed 30287823 (cited by Quest Diagnostics Nichols Institute San Juan Capistrano and Ambry Genetics); PubMed 33471991 (cited by Quest Diagnostics Nichols Institute San Juan Capistrano); PubMed 29446198 (cited by 4 submitters); PubMed 20104584 (cited by Labcorp Genetics (formerly Invitae), Labcorp); PubMed 26187060 (cited by Labcorp Genetics (formerly Invitae), Labcorp); PubMed 18821011 (cited by Mayo Clinic Laboratories, Mayo Clinic); PubMed 31512090 (cited by Mayo Clinic Laboratories, Mayo Clinic).

NM_000059.4(BRCA2):c.289G>T (p.Glu97Ter)

Gene: BRCA2 (BRCA2 DNA repair associated; plus strand). Cytogenetic location: 13q13.1.
Variant type: single nucleotide variant.
Coding change: c.289G>T on transcript NM_000059.4 (MANE Select); coding-DNA position 289, G replaced by T.
Protein change: p.Glu97Ter; replaces glutamic acid 97 with a stop codon.
Molecular consequence: nonsense.
Genome position (GRCh38, 1-based): chr13:32,319,298, G>T. VCF-style: chr13-32319298-G-T. GRCh37 (hg19) VCF-style: chr13-32893435-G-T.
Other names: p.Glu97*; short protein forms E97*.
Identifiers: ClinVar variation 51368 (VCV000051368.27), dbSNP rs397507646, ClinGen allele CA016722.
Genomic context (GRCh38, chr13:32,319,298, plus strand): 5'-ACTCCAATAATATTCAAAGAGCAAGGGCTGACTCTGCCGCTGTACCAATCTCCTGTAAAA[G>T]AATTAGATAAATTCAAATTAGACTTAGGTAAGTAATGCAATATGGTAGACTGGGGAGAAC-3'